The following is an entry in ClinVar:

NM_001298.3(CNGA3):c.1741_1742del (p.Lys581fs)

Gene: CNGA3 (cyclic nucleotide gated channel subunit alpha 3; plus strand). Cytogenetic location: 2q11.2.
Variant type: Deletion.
Coding change: c.1741_1742del on transcript NM_001298.3 (MANE Select); coding-DNA positions 1741 to 1742, 2 bases deleted (AA; older notation c.1741_1742delAA).
Protein change: p.Lys581fs; shifts the reading frame from lysine 581.
Molecular consequence: frameshift variant.
Genome position (GRCh38, 1-based): chr2:98,396,911-98,396,912, AA deleted; deleting any 2 consecutive bases within chr2:98,396,910-98,396,912 gives the same sequence; the c. name uses the placement nearest the transcript's 3' end. VCF-style (leftmost placement, unchanged base first): chr2-98396909-CAA-C. GRCh37 (hg19) VCF-style: chr2-99013372-CAA-C.
Other names: c.1687_1688del, p.Lys563fs (NM_001079878.2); c.1741_1742delAA (NM_001298.2); short protein forms K581fs, K563fs.
Identifiers: ClinVar variation 451880 (VCV000451880.2), dbSNP rs1553450895, ClinGen allele CA658657050.

ClinVar aggregate classification (germline): Likely pathogenic (1 of 4 stars; one submission).

Submission:

GeneDx
Classification: Likely pathogenic. Last evaluated: 2017-09-19. Review status: criteria provided, single submitter. Criteria: GeneDx Variant Classification (06012015). Collection method: clinical testing. Allele origin: germline. Affected: yes.
Comment: The c.1741_1742delAA variant in the CNGA3 gene has not been reported previously as a pathogenic variant, nor as a benign variant, to our knowledge. The c.1741_1742delAA variant causes a frameshift starting with codon Lysine 581, changes this amino acid to a Glycine residue, and creates a premature Stop codon at position 33 of the new reading frame, denoted p.Lys581GlyfsX33. This variant is predicted to cause loss of normal protein function through protein truncation. The c.1741_1742delAA variant is not observed in large population cohorts (Lek et al., 2016; 1000 Genomes Consortium et al., 2015; Exome Variant Server). We interpret c.1741_1742delAA as a likely pathogenic variant.